The following is an entry in ClinVar:

NM_014806.5(RUSC2):c.1967G>A (p.Ser656Asn)

Gene: RUSC2 (RUN and SH3 domain containing 2; plus strand). Cytogenetic location: 9p13.3.
Variant type: single nucleotide variant.
Coding change: c.1967G>A on transcript NM_014806.5 (MANE Select); coding-DNA position 1967, G replaced by A.
Protein change: p.Ser656Asn; replaces serine 656 with asparagine.
Molecular consequence: missense variant. On other transcripts: intron variant (1).
Genome position (GRCh38, 1-based): chr9:35,548,488, G>A. VCF-style: chr9-35548488-G-A. GRCh37 (hg19) VCF-style: chr9-35548485-G-A.
Other names: c.1967G>A, p.Ser656Asn (NM_001135999.2); c.-620-6572G>A (NM_001330740.2); short protein forms S656N.
Identifiers: ClinVar variation 1514582 (VCV001514582.6), dbSNP rs147102296, ClinGen allele CA5043763.

ClinVar aggregate classification (germline): Uncertain significance (1 of 4 stars; one submission).

Submission:

Labcorp Genetics (formerly Invitae), Labcorp
Classification: Uncertain significance. Last evaluated: 2021-08-22. Review status: criteria provided, single submitter. Criteria: Invitae Variant Classification Sherloc (09022015). Collection method: clinical testing. Allele origin: germline.
Comment: Algorithms developed to predict the effect of missense changes on protein structure and function output the following: SIFT: "Tolerated"; PolyPhen-2: "Benign"; Align-GVGD: "Class C0". The asparagine amino acid residue is found in multiple mammalian species, which suggests that this missense change does not adversely affect protein function. In summary, the available evidence is currently insufficient to determine the role of this variant in disease. Therefore, it has been classified as a Variant of Uncertain Significance. This variant has not been reported in the literature in individuals affected with RUSC2-related conditions. This variant is present in population databases (rs147102296, ExAC 0.002%). This sequence change replaces serine with asparagine at codon 656 of the RUSC2 protein (p.Ser656Asn). The serine residue is moderately conserved and there is a small physicochemical difference between serine and asparagine.